The following is an entry in ClinVar:

ClinVar aggregate classification (germline): Benign/Likely benign. Review status: criteria provided, multiple submitters, no conflicts (2 of 4 stars). 3 submissions from 3 submitters: Benign (1); Likely benign (2). Last evaluated 2026-01-07.

Conditions:
Hereditary cancer-predisposing syndrome. Also called: Tumor predisposition; Neoplastic Syndromes, Hereditary; Hereditary Cancer Syndrome; Hereditary neoplastic syndrome. Identifiers: Orphanet 140162, MedGen C0027672, MeSH D009386, MONDO:0015356.
Birt-Hogg-Dube syndrome 1 (BHD1). Also called: FIBROFOLLICULOMAS WITH TRICHODISCOMAS AND ACROCHORDONS. Identifiers: Orphanet 122, MedGen CN375946, MONDO:0800445, OMIM 135150.
Birt-Hogg-Dube syndrome. Also called: Birt Hogg Dubé syndrome. Identifiers: Orphanet 122, MedGen C0346010, MONDO:0800444.

Allele frequency attached by ClinVar (database versions not stated): gnomAD exomes 0.00001; ExAC 0.00002; gnomAD 0.00002; TOPMed 0.00002.
gnomAD v4.1: 11 of 1,613,732 alleles (0.00068%); highest among the groups gnomAD compares: Non-Finnish European, 0.00093%; no homozygotes.

Submissions (3):

Labcorp Genetics (formerly Invitae), Labcorp
Classification: Likely benign for Birt-Hogg-Dube syndrome. Last evaluated: 2026-01-07. Review status: criteria provided, single submitter. Criteria: Invitae Variant Classification Sherloc (09022015). Collection method: clinical testing. Allele origin: germline.

Myriad Genetics, Inc.
Classification: Benign for Birt-Hogg-Dube syndrome 1. Last evaluated: 2024-10-23. Review status: criteria provided, single submitter. Criteria: Myriad Autosomal Dominant, Autosomal Recessive and X-Linked Classification Criteria (2023). Collection method: clinical testing. Allele origin: unknown.
Comment: This variant is considered benign. This variant is a silent/synonymous amino acid change and it is not expected to impact splicing.

Ambry Genetics
Classification: Likely benign for Hereditary cancer-predisposing syndrome. Last evaluated: 2017-05-03. Review status: criteria provided, single submitter. Criteria: Ambry Variant Classification Scheme 2023. Collection method: clinical testing. Allele origin: germline.

NM_144997.7(FLCN):c.874T>C (p.Leu292=)

Gene: FLCN (folliculin; minus strand). Cytogenetic location: 17p11.2.
Variant type: single nucleotide variant.
Coding change: c.874T>C on transcript NM_144997.7 (MANE Select); coding-DNA position 874, T replaced by C.
Protein change: p.Leu292=; no amino-acid change (leucine 292 retained).
Molecular consequence: synonymous variant.
Genome position (GRCh38, 1-based): chr17:17,219,207, A>G on the plus strand (T>C on the coding strand, the complement: FLCN is on the minus strand). VCF-style: chr17-17219207-A-G. GRCh37 (hg19) VCF-style: chr17-17122521-A-G.
Other names: c.874T>C (LRG_325t1); c.928T>C, p.Leu310= (NM_001353229.2); c.874T>C, p.Leu292= (NM_001353230.2, NM_001353231.2).
Identifiers: ClinVar variation 415610 (VCV000415610.16), dbSNP rs759503601, ClinGen allele CA8416201.